The following is an entry in ClinVar:

ClinVar aggregate classification (germline): Pathogenic/Likely pathogenic. Review status: criteria provided, multiple submitters, no conflicts (2 of 4 stars). 3 submissions from 3 submitters: Pathogenic (2); Likely pathogenic (1). Last evaluated 2023-01-24.

Conditions:
PLA2G6-associated neurodegeneration (PLAN). Also called: phospholipase A2-associated neurodegeneration. Identifiers: Orphanet 329303, MedGen CN204472, MONDO:0017998.
Autosomal recessive Parkinson disease 14. Also called: DYSTONIA-PARKINSONISM, ADULT-ONSET; PARKINSON DISEASE 14. Identifiers: Orphanet 199351, MedGen C2751842, MONDO:0013060, OMIM 612953.
Infantile neuroaxonal dystrophy (NBIA2A). Also called: Infantile neuroaxonal dystrophy 1; NEURODEGENERATION WITH BRAIN IRON ACCUMULATION 2A; SEITELBERGER DISEASE. Identifiers: Orphanet 35069, MedGen C0270724, MONDO:0024457, OMIM 256600.
Neurodegeneration with brain iron accumulation 2B. Also called: aNAD; atypical Neuroaxonal Dystrophy (aNAD); NEUROAXONAL DYSTROPHY, ATYPICAL; NEURODEGENERATION WITH BRAIN IRON ACCUMULATION, PLA2G6-RELATED. Identifiers: Orphanet 35069, MedGen C1857747, MONDO:0012444, OMIM 610217.
Iron accumulation in brain. Identifiers: MedGen C4021076, HP:0012675.

Submissions (3):

Broad Center for Mendelian Genomics, Broad Institute of MIT and Harvard
Classification: Likely pathogenic for PLA2G6-associated neurodegeneration. Last evaluated: 2023-01-24. Review status: criteria provided, single submitter. Criteria: ACMG Guidelines, 2015. Collection method: curation. Allele origin: germline. Inheritance: Autosomal recessive inheritance.
Comment: The p.Leu560fs variant in PLA2G6 has been reported in 3 individuals, in the compound heterozygous state, with PLA2G6-associated neurodegeneration (PMID: 27378808, 31196701, 24745848) and has been identified in 0.0009% (1/113656) of European (non-Finnish) chromosomes by the Genome Aggregation Database (gnomAD; dbSNP ID: rs587784336). Although this variant has been seen in the general population in a heterozygous state, its frequency is low enough to be consistent with a recessive carrier frequency. This variant has also been reported in ClinVar (Variation ID#: 159742) and has been interpreted as pathogenic by Genetic Services Laboratory (University of Chicago). This variant is predicted to cause a frameshift, which alters the protein‚Äôs amino acid sequence beginning at position 560 and leads to a premature termination codon 5 amino acids downstream. This alteration is then predicted to lead to a truncated or absent protein. Loss of function of the PLA2G6 gene is an established disease mechanism in autosomal recessive PLA2G6-associated neurodegeneration. In summary, although additional studies are required to fully establish its clinical significance, this variant is likely pathogenic for autosomal recessive PLA2G6-associated neurodegeneration. ACMG/AMP Criteria applied: PVS1, PM2 (Richards 2015).

Fulgent Genetics
Classification: Pathogenic for Infantile neuroaxonal dystrophy; Neurodegeneration with brain iron accumulation 2B; Autosomal recessive Parkinson disease 14. Last evaluated: 2021-11-05. Review status: criteria provided, single submitter. Criteria: ACMG Guidelines, 2015. Collection method: clinical testing. Allele origin: unknown.

Genetic Services Laboratory, University of Chicago
Classification: Pathogenic for iron accumulation in brain. Last evaluated: 2014-03-17. Review status: criteria provided, single submitter. Criteria: ACMG Guidelines, 2007. Collection method: clinical testing. Allele origin: germline. Inheritance: Autosomal recessive inheritance. Affected: yes.

NM_003560.4(PLA2G6):c.1674del (p.Leu560fs)

Gene: PLA2G6 (phospholipase A2 group VI; minus strand). Cytogenetic location: 22q13.1.
Variant type: Deletion.
Coding change: c.1674del on transcript NM_003560.4 (MANE Select); coding-DNA position 1674, one base deleted (G; older notation c.1674delG).
Protein change: p.Leu560fs; shifts the reading frame from leucine 560.
Molecular consequence: frameshift variant.
Genome position (GRCh38, 1-based): chr22:38,120,827, C deleted on the plus strand (G on the coding strand, the reverse complement: PLA2G6 is on the minus strand); the first of 4 consecutive C bases (chr22:38,120,827-38,120,830); deleting any one gives the same sequence. VCF-style (leftmost placement, unchanged base first): chr22-38120826-GC-G. GRCh37 (hg19) VCF-style: chr22-38516833-GC-G.
Other names: NM_003560.4(PLA2G6):c.1674del; p.Leu560fs; c.1512del, p.Leu506fs (NM_001004426.3, NM_001199562.3, NM_001349865.2 and 1 more transcripts); c.1674del, p.Leu560fs (NM_001349864.2); c.1140del, p.Leu382fs (NM_001349867.2); c.996del, p.Leu334fs (NM_001349868.2); c.978del, p.Leu328fs (NM_001349869.2); short protein forms L334fs, L382fs, L328fs, L506fs, L560fs.
Identifiers: ClinVar variation 159742 (VCV000159742.8), dbSNP rs587784336, ClinGen allele CA173223.